The following is an entry in ClinVar:

ClinVar aggregate classification (germline): Uncertain significance (1 of 4 stars; one submission).

Conditions:
Inborn genetic diseases. Identifiers: MedGen C0950123, MeSH D030342.

gnomAD v4.1: 5 of 1,613,686 alleles (0.00031%); highest among the groups gnomAD compares: Non-Finnish European, 0.00042%; no homozygotes.

Submission:

Ambry Genetics
Classification: Uncertain significance for Inborn genetic diseases. Last evaluated: 2026-09-13. Review status: criteria provided, single submitter. Criteria: Ambry Variant Classification Scheme 2023. Collection method: clinical testing. Allele origin: germline.
Comment: The p.P74S variant (also known as c.220C>T), located in coding exon 3 of the BUB1B gene, results from a C to T substitution at nucleotide position 220. The proline at codon 74 is replaced by serine, an amino acid with similar properties. This amino acid position is conserved. In addition, the in silico prediction for this alteration is inconclusive. Based on the available evidence, the clinical significance of this variant remains unclear.

NM_001211.6(BUB1B):c.220C>T (p.Pro74Ser)

Gene: BUB1B (BUB1 mitotic checkpoint serine/threonine kinase B; plus strand). Cytogenetic location: 15q15.1.
Variant type: single nucleotide variant.
Coding change: c.220C>T on transcript NM_001211.6 (MANE Select); coding-DNA position 220, C replaced by T.
Protein change: p.Pro74Ser; replaces proline 74 with serine.
Molecular consequence: missense variant.
Genome position (GRCh38, 1-based): chr15:40,170,102, C>T. VCF-style: chr15-40170102-C-T. GRCh37 (hg19) VCF-style: chr15-40462303-C-T.
Other names: short protein forms P74S.
Identifiers: ClinVar variation 5033494 (VCV005033494.1).
Genomic context (GRCh38, chr15:40,170,102, plus strand): 5'-TTTTTCTGTTTACATTTCAGGGCATTTGAATATGAAATTCGATTTTACACTGGAAATGAC[C>T]CTCTGGATGTTTGGGATAGGTGGGTCTTTTTATTTCACAAGGACAATAGAAACATTAACA-3'
Protein context (NP_001202.5, residues 64-84): YEIRFYTGND[Pro74Ser]LDVWDRYISW